The following is an entry in ClinVar:

NM_001042432.2(CLN3):c.367C>T (p.Pro123Ser)

Gene: CLN3 (CLN3 lysosomal/endosomal transmembrane protein, battenin; minus strand). Cytogenetic location: 16p12.1.
Variant type: single nucleotide variant.
Coding change: c.367C>T on transcript NM_001042432.2 (MANE Select); coding-DNA position 367, C replaced by T.
Protein change: p.Pro123Ser; replaces proline 123 with serine.
Molecular consequence: missense variant. On other transcripts: intron variant (1).
Genome position (GRCh38, 1-based): chr16:28,487,669, G>A on the plus strand (C>T on the coding strand, the complement: CLN3 is on the minus strand). VCF-style: chr16-28487669-G-A. GRCh37 (hg19) VCF-style: chr16-28498990-G-A.
Other names: c.367C>T, p.Pro123Ser (NM_000086.2); c.295C>T, p.Pro99Ser (NM_001286104.2); c.133C>T, p.Pro45Ser (NM_001286109.2); c.205C>T, p.Pro69Ser (NM_001286110.2); c.75-128C>T (NM_001286105.2); short protein forms P45S, P99S, P69S, P123S.
Identifiers: ClinVar variation 964972 (VCV000964972.8), dbSNP rs1567261702, ClinGen allele CA395346023.

ClinVar aggregate classification (germline): Uncertain significance. Review status: criteria provided, multiple submitters, no conflicts (2 of 4 stars). 2 submissions from 2 submitters: Uncertain significance (2). Last evaluated 2021-08-30.

Conditions:
Neuronal ceroid lipofuscinosis. Also called: Neuronal Ceroid Lipofuscinoses. Identifiers: Orphanet 216, Orphanet 79263, MedGen C0027877, MONDO:0016295. Disease mechanism: loss of function.
Neuronal ceroid lipofuscinosis 3 (CLN3). Identifiers: Orphanet 228346, MedGen C0751383, MONDO:0008767, OMIM 204200.

Submissions (2):

Labcorp Genetics (formerly Invitae), Labcorp
Classification: Uncertain significance for Neuronal ceroid lipofuscinosis. Last evaluated: 2021-08-30. Review status: criteria provided, single submitter. Criteria: Invitae Variant Classification Sherloc (09022015). Collection method: clinical testing. Allele origin: germline.
Comment: This sequence change replaces proline with serine at codon 123 of the CLN3 protein (p.Pro123Ser). The proline residue is highly conserved and there is a moderate physicochemical difference between proline and serine. This variant is not present in population databases (ExAC no frequency). This variant has not been reported in the literature in individuals affected with CLN3-related conditions. Algorithms developed to predict the effect of missense changes on protein structure and function are either unavailable or do not agree on the potential impact of this missense change (SIFT: "Deleterious"; PolyPhen-2: "Probably Damaging"; Align-GVGD: "Class C0"). In summary, the available evidence is currently insufficient to determine the role of this variant in disease. Therefore, it has been classified as a Variant of Uncertain Significance.

Juno Genomics, Hangzhou Juno Genomics, Inc
Classification: Uncertain significance for Neuronal ceroid lipofuscinosis 3. Review status: criteria provided, single submitter. Criteria: ACMG Guidelines, 2015. Collection method: clinical testing. Allele origin: germline.
Comment: Absent from controls (or at extremely low frequency if recessive) in Genome Aggregation Database.